The following is an entry in ClinVar:

ClinVar aggregate classification (germline): Uncertain significance (1 of 4 stars; one submission).

Conditions:
Diamond-Blackfan anemia. Also called: Blackfan Diamond syndrome; Aregenerative anemia chronic congenital; Red cell aplasia, pure hereditary; Congenital hypoplastic anemia; Aase syndrome. Identifiers: Orphanet 124, MedGen C1260899, MeSH D029503, MONDO:0015253, HP:0004810.

Submission:

Labcorp Genetics (formerly Invitae), Labcorp
Classification: Uncertain significance for Diamond-Blackfan anemia. Last evaluated: 2023-11-08. Review status: criteria provided, single submitter. Criteria: Invitae Variant Classification Sherloc (09022015). Collection method: clinical testing. Allele origin: unknown.
Comment: This variant results in a copy number gain of the genomic region encompassing exon(s) 5-6 of the RPS10 gene. This region includes the termination codon of the gene. This copy number gain extends beyond the assayed region for this gene and therefore may encompass additional genes. As the precise location of this event is unknown, it may be in tandem or it may be located elsewhere in the genome. This variant has not been reported in the literature in individuals affected with RPS10-related conditions. In summary, the available evidence is currently insufficient to determine the role of this variant in disease. Therefore, it has been classified as a Variant of Uncertain Significance.

NC_000006.11:g.(?_34385283)_(34386211_?)dup

Gene: RPS10 (ribosomal protein S10; minus strand). Cytogenetic location: 6p21.31.
Variant type: Duplication.
Identifiers: ClinVar variation 3245986 (VCV003245986.1).